The following is an entry in ClinVar:

ClinVar aggregate classification (germline): Uncertain significance. Review status: criteria provided, multiple submitters, no conflicts (2 of 4 stars). 2 submissions from 2 submitters: Uncertain significance (2). Last evaluated 2023-12-01.

Conditions:
Hereditary cancer-predisposing syndrome. Also called: Hereditary Cancer Syndrome; Hereditary neoplastic syndrome; Neoplastic Syndromes, Hereditary; Tumor predisposition. Identifiers: Orphanet 140162, MedGen C0027672, MeSH D009386, MONDO:0015356.

Submissions (2):

CeGaT Center for Human Genetics Tuebingen
Classification: Uncertain significance. Last evaluated: 2023-12-01. Review status: criteria provided, single submitter. Criteria: CeGaT Center For Human Genetics Tuebingen Variant Classification Criteria Version 2. Collection method: clinical testing. Allele origin: germline. Affected: yes. Observed: 1 variant allele.
Comment: RET: PM2, PP3

Ambry Genetics
Classification: Uncertain significance for Hereditary cancer-predisposing syndrome. Last evaluated: 2023-11-16. Review status: criteria provided, single submitter. Criteria: Ambry Variant Classification Scheme 2023. Collection method: clinical testing. Allele origin: germline.
Comment: The p.V934I variant (also known as c.2800G>A), located in coding exon 16 of the RET gene, results from a G to A substitution at nucleotide position 2800. The valine at codon 934 is replaced by isoleucine, an amino acid with highly similar properties. This amino acid position is highly conserved in available vertebrate species. In addition, the in silico prediction for this alteration is inconclusive. Since supporting evidence is limited at this time, the clinical significance of this alteration remains unclear.

NM_020975.6(RET):c.2800G>A (p.Val934Ile)

Genes: RET (ret proto-oncogene; plus strand), LOC130003710 (ATAC-STARR-seq lymphoblastoid active region 3286; plus strand). Cytogenetic location: 10q11.21.
Variant type: single nucleotide variant.
Coding change: c.2800G>A on transcript NM_020975.6 (MANE Select); coding-DNA position 2800, G replaced by A.
Protein change: p.Val934Ile; replaces valine 934 with isoleucine.
Molecular consequence: missense variant.
Genome position (GRCh38, 1-based): chr10:43,122,015, G>A. VCF-style: chr10-43122015-G-A. GRCh37 (hg19) VCF-style: chr10-43617463-G-A.
Other names: c.2362G>A, p.Val788Ile (NM_001406773.1, NM_001406771.1); c.2275G>A, p.Val759Ile (NM_001406774.1); c.2074G>A, p.Val692Ile (NM_001406775.1, NM_001406776.1, NM_001406777.1 and 1 more transcripts); c.1903G>A, p.Val635Ile (NM_001406779.1, NM_001406780.1, NM_001406781.1 and 1 more transcripts); c.2800G>A, p.Val934Ile (NM_000323.2, NM_001406743.1, NM_001406744.1 and 4 more transcripts); c.2038G>A, p.Val680Ile (NM_001355216.2); c.2671G>A, p.Val891Ile (NM_001406761.1, NM_001406762.1, NM_001406764.1); c.2665G>A, p.Val889Ile (NM_001406763.1, NM_001406765.1); and 10 more; short protein forms V451I, V499I, V539I, V590I, V592I, V595I, V604I, V635I.
Identifiers: ClinVar variation 3026657 (VCV003026657.23), dbSNP rs2132986988, ClinGen allele CA376557687.